The following is an entry in ClinVar:

NM_152383.5(DIS3L2):c.1676C>T (p.Thr559Ile)

Gene: DIS3L2 (DIS3 like 3'-5' exoribonuclease 2; plus strand). Cytogenetic location: 2q37.1.
Variant type: single nucleotide variant.
Coding change: c.1676C>T on transcript NM_152383.5 (MANE Select); coding-DNA position 1676, C replaced by T.
Protein change: p.Thr559Ile; replaces threonine 559 with isoleucine.
Molecular consequence: missense variant. On other transcripts: non-coding transcript variant (2), intron variant (1).
Genome position (GRCh38, 1-based): chr2:232,300,056, C>T. VCF-style: chr2-232300056-C-T. GRCh37 (hg19) VCF-style: chr2-233164766-C-T.
Other names: c.1581+36694C>T (NM_001257281.2); short protein forms T559I.
Identifiers: ClinVar variation 1022117 (VCV001022117.9), dbSNP rs1694816803, ClinGen allele CA350978494.

ClinVar aggregate classification (germline): Uncertain significance (1 of 4 stars; one submission).

Conditions:
Perlman syndrome (PRLMNS). Identifiers: Orphanet 2849, MedGen C0796113, MONDO:0009965, OMIM 267000.

Submission:

Labcorp Genetics (formerly Invitae), Labcorp
Classification: Uncertain significance for Perlman syndrome. Last evaluated: 2020-01-10. Review status: criteria provided, single submitter. Criteria: Invitae Variant Classification Sherloc (09022015). Collection method: clinical testing. Allele origin: germline.
Comment: This variant is not present in population databases (ExAC no frequency). In summary, the available evidence is currently insufficient to determine the role of this variant in disease. Therefore, it has been classified as a Variant of Uncertain Significance. Algorithms developed to predict the effect of missense changes on protein structure and function are either unavailable or do not agree on the potential impact of this missense change (SIFT: "Tolerated"; PolyPhen-2: "Probably Damaging"; Align-GVGD: "Class C0"). This variant has not been reported in the literature in individuals with DIS3L2-related conditions. This sequence change replaces threonine with isoleucine at codon 559 of the DIS3L2 protein (p.Thr559Ile). The threonine residue is moderately conserved and there is a moderate physicochemical difference between threonine and isoleucine.